The following is an entry in ClinVar:

ClinVar aggregate classification (germline): Uncertain significance. Review status: criteria provided, single submitter (1 of 4 stars). 2 submissions from 2 submitters: Uncertain significance (1). 1 of the submissions does not count toward it. Last evaluated 2022-03-11.

Conditions:
CRYZ-related disorder. Also called: CRYZ-related condition.

Allele frequency attached by ClinVar (database versions not stated): 1000 Genomes Project 30x 0.00031; 1000 Genomes Project 0.00040; ESP Exome Variant Server 0.00154.
gnomAD v4.1: 2,008 of 1,613,930 alleles (0.12%); highest among the groups gnomAD compares: Non-Finnish European, 0.15%; 2 homozygotes.

Submissions (2):

Ambry Genetics
Classification: Uncertain significance. Last evaluated: 2022-03-11. Review status: criteria provided, single submitter. Criteria: Ambry Variant Classification Scheme 2023. Collection method: clinical testing. Allele origin: germline.

PreventionGenetics, part of Exact Sciences
Classification: Likely benign for CRYZ-related condition. Last evaluated: 2023-02-15. Review status: no assertion criteria provided. Collection method: clinical testing. Allele origin: germline. Not counted in ClinVar's aggregate classification.
Comment: This variant is classified as likely benign based on ACMG/AMP sequence variant interpretation guidelines (Richards et al. 2015 PMID: 25741868, with internal and published modifications).

NM_001889.4(CRYZ):c.164G>A (p.Arg55His)

Gene: CRYZ (crystallin zeta; minus strand). Cytogenetic location: 1p31.1.
Variant type: single nucleotide variant.
Coding change: c.164G>A on transcript NM_001889.4 (MANE Select); coding-DNA position 164, G replaced by A.
Protein change: p.Arg55His; replaces arginine 55 with histidine.
Molecular consequence: missense variant. On other transcripts: 5 prime UTR variant (1).
Genome position (GRCh38, 1-based): chr1:74,723,218, C>T on the plus strand (G>A on the coding strand, the complement: CRYZ is on the minus strand). VCF-style: chr1-74723218-C-T. GRCh37 (hg19) VCF-style: chr1-75188902-C-T.
Other names: c.164G>A, p.Arg55His (NM_001130042.2, NM_001130043.2); c.-84G>A (NM_001134759.2); short protein forms R55H.
Identifiers: ClinVar variation 2214695 (VCV002214695.4), dbSNP rs140443058, ClinGen allele CA911439.